The following is an entry in ClinVar:

ClinVar aggregate classification (germline): Uncertain significance. Review status: criteria provided, multiple submitters, no conflicts (2 of 4 stars). 2 submissions from 2 submitters: Uncertain significance (2). Last evaluated 2021-08-27.

Conditions:
Cobalamin C disease. Also called: Cobalamin-C methylmalonic acidemia and homocystinuria; Methylmalonic acidemia and homocystinuria cblC type; methylmalonic aciduria and homocystinuria type cblC; Methylmalonic aciduria with homocystinuria cblC type; Methylmalonic aciduria and homocystinuria, Vitamin B12-responsive; Vitamin B12 metabolic defect with combined deficiency of methylmalonyl-CoA mutase and homocysteine:methyltetrahydrofolate methyltransferase. Identifiers: Orphanet 26, Orphanet 79282, MedGen C1848561, MONDO:0010184, OMIM 277400.

Allele frequency attached by ClinVar (database versions not stated): gnomAD exomes below 0.00001; TOPMed below 0.00001; gnomAD 0.00001.

Submissions (2):

Labcorp Genetics (formerly Invitae), Labcorp
Classification: Uncertain significance for Cobalamin C disease. Last evaluated: 2021-08-27. Review status: criteria provided, single submitter. Criteria: Invitae Variant Classification Sherloc (09022015). Collection method: clinical testing. Allele origin: germline.
Comment: This sequence change replaces cysteine with tyrosine at codon 149 of the MMACHC protein (p.Cys149Tyr). The cysteine residue is highly conserved and there is a large physicochemical difference between cysteine and tyrosine. This variant is not present in population databases (ExAC no frequency). This variant has not been reported in the literature in individuals affected with MMACHC-related conditions. Algorithms developed to predict the effect of missense changes on protein structure and function are either unavailable or do not agree on the potential impact of this missense change (SIFT: "Deleterious"; PolyPhen-2: "Probably Damaging"; Align-GVGD: "Class C15"). In summary, the available evidence is currently insufficient to determine the role of this variant in disease. Therefore, it has been classified as a Variant of Uncertain Significance.

Genome-Nilou Lab
Classification: Uncertain significance for Cobalamin C disease. Last evaluated: 2021-07-14. Review status: criteria provided, single submitter. Criteria: ACMG Guidelines, 2015. Collection method: clinical testing. Allele origin: germline. Affected: no.

NM_015506.3(MMACHC):c.446G>A (p.Cys149Tyr)

Gene: MMACHC (metabolism of cobalamin associated C; plus strand). Cytogenetic location: 1p34.1.
Variant type: single nucleotide variant.
Coding change: c.446G>A on transcript NM_015506.3 (MANE Select); coding-DNA position 446, G replaced by A.
Protein change: p.Cys149Tyr; replaces cysteine 149 with tyrosine.
Molecular consequence: missense variant.
Genome position (GRCh38, 1-based): chr1:45,508,812, G>A. VCF-style: chr1-45508812-G-A. GRCh37 (hg19) VCF-style: chr1-45974484-G-A.
Other names: c.275G>A, p.Cys92Tyr (NM_001330540.2); short protein forms C149Y, C92Y.
Identifiers: ClinVar variation 533861 (VCV000533861.9), dbSNP rs1161394470, ClinGen allele CA340133032.